The following is an entry in ClinVar:

ClinVar aggregate classification (germline): Uncertain significance (1 of 4 stars; one submission).

Allele frequency attached by ClinVar (database versions not stated): gnomAD exomes below 0.00001.
gnomAD v4.1: 1 of 1,602,240 alleles (0.000062%); highest among the groups gnomAD compares: Non-Finnish European, 0.000085%; no homozygotes.

Submission:

Labcorp Genetics (formerly Invitae), Labcorp
Classification: Uncertain significance. Last evaluated: 2022-10-13. Review status: criteria provided, single submitter. Criteria: Invitae Variant Classification Sherloc (09022015). Collection method: clinical testing. Allele origin: germline.
Comment: In summary, the available evidence is currently insufficient to determine the role of this variant in disease. Therefore, it has been classified as a Variant of Uncertain Significance. Advanced modeling of protein sequence and biophysical properties (such as structural, functional, and spatial information, amino acid conservation, physicochemical variation, residue mobility, and thermodynamic stability) performed at Invitae indicates that this missense variant is expected to disrupt KMT2E protein function. This variant has not been reported in the literature in individuals affected with KMT2E-related conditions. This variant is not present in population databases (gnomAD no frequency). This sequence change replaces serine, which is neutral and polar, with cysteine, which is neutral and slightly polar, at codon 386 of the KMT2E protein (p.Ser386Cys).

NM_182931.3(KMT2E):c.1157C>G (p.Ser386Cys)

Gene: KMT2E (lysine methyltransferase 2E (inactive); plus strand). Cytogenetic location: 7q22.3.
Variant type: single nucleotide variant.
Coding change: c.1157C>G on transcript NM_182931.3 (MANE Select); coding-DNA position 1157, C replaced by G.
Protein change: p.Ser386Cys; replaces serine 386 with cysteine.
Molecular consequence: missense variant.
Genome position (GRCh38, 1-based): chr7:105,078,872, C>G. VCF-style: chr7-105078872-C-G. GRCh37 (hg19) VCF-style: chr7-104719319-C-G.
Other names: c.1157C>G, p.Ser386Cys (NM_001410908.1, NM_018682.4); short protein forms S386C.
Identifiers: ClinVar variation 3008885 (VCV003008885.3), dbSNP rs2536432441, ClinGen allele CA368780023.